The following is an entry in ClinVar:

ClinVar aggregate classification (germline): Uncertain significance (1 of 4 stars; one submission).

Conditions:
Hypertrophic cardiomyopathy. Also called: HYPERTROPHIC MYOCARDIOPATHY. Identifiers: Orphanet 217569, MedGen C0007194, MeSH D002312, MONDO:0005045, HP:0001639.

Allele frequency attached by ClinVar (database versions not stated): gnomAD exomes below 0.00001.
gnomAD v4.1: 1 of 1,614,200 alleles (0.000062%); highest among the groups gnomAD compares: East Asian, 0.0022%; no homozygotes.

Submission:

Labcorp Genetics (formerly Invitae), Labcorp
Classification: Uncertain significance for Hypertrophic cardiomyopathy. Last evaluated: 2023-12-22. Review status: criteria provided, single submitter. Criteria: Invitae Variant Classification Sherloc (09022015). Collection method: clinical testing. Allele origin: germline.
Comment: This sequence change replaces arginine, which is basic and polar, with threonine, which is neutral and polar, at codon 777 of the MYH7 protein (p.Arg777Thr). This variant is not present in population databases (gnomAD no frequency). This variant has not been reported in the literature in individuals affected with MYH7-related conditions. Advanced modeling of protein sequence and biophysical properties (such as structural, functional, and spatial information, amino acid conservation, physicochemical variation, residue mobility, and thermodynamic stability) performed at Invitae indicates that this missense variant is expected to disrupt MYH7 protein function with a positive predictive value of 95%. In summary, the available evidence is currently insufficient to determine the role of this variant in disease. Therefore, it has been classified as a Variant of Uncertain Significance.

NM_000257.4(MYH7):c.2330G>C (p.Arg777Thr)

Genes: MYH7 (myosin heavy chain 7; minus strand), LOC126861898 (BRD4-independent group 4 enhancer GRCh37_chr14:23893609-23894808; plus strand). Cytogenetic location: 14q11.2.
Variant type: single nucleotide variant.
Coding change: c.2330G>C on transcript NM_000257.4 (MANE Select); coding-DNA position 2330, G replaced by C.
Protein change: p.Arg777Thr; replaces arginine 777 with threonine.
Molecular consequence: missense variant.
Genome position (GRCh38, 1-based): chr14:23,425,375, C>G on the plus strand (G>C on the coding strand, the complement: MYH7 is on the minus strand). VCF-style: chr14-23425375-C-G. GRCh37 (hg19) VCF-style: chr14-23894584-C-G.
Other names: c.2330G>C, p.Arg777Thr (NM_001407004.1); short protein forms R777T.
Identifiers: ClinVar variation 2704958 (VCV002704958.3), dbSNP rs2138667239, ClinGen allele CA389048635.